The following is an entry in ClinVar:

ClinVar aggregate classification (germline): Likely pathogenic (1 of 4 stars; one submission).

Conditions:
Hereditary factor VIII deficiency disease (HEMA). Also called: HEMOPHILIA, CLASSIC; AUTOSOMAL HEMOPHILIA A; Hemophilia A; Hemophilia A, congenital; HEM A; Factor 8 deficiency, congenital. Identifiers: Orphanet 98878, MedGen C0019069, MONDO:0010602, OMIM 306700.

Submission:

ARUP Laboratories, Molecular Genetics and Genomics, ARUP Laboratories
Classification: Likely pathogenic for Hereditary factor VIII deficiency disease. Last evaluated: 2021-03-11. Review status: criteria provided, single submitter. Criteria: ARUP Molecular Germline Variant Investigation Process 2021. Collection method: clinical testing. Allele origin: germline.
Comment: The F8 c.1430G>T; p.Gly477Val variant, also known as G458V, is reported in the literature in multiple individuals affected with mild to moderate hemophilia A (Castaman 2009, Frusconi 2002, Markoff 2009, see link to F8 database). This variant is absent from the Genome Aggregation Database, indicating it is not a common polymorphism. The glycine at codon 477 is highly conserved, and computational analyses predict that this variant is deleterious (REVEL: 0.919). Based on available information, this variant is considered to be likely pathogenic. References: Link to F8 database: Castaman G et al. Molecular and phenotypic determinants of the response to desmopressin in adult patients with mild hemophilia A. J Thromb Haemost. 2009 Nov;7(11):1824-31. Frusconi S et al. Identification of seven novel mutations of F8C by DHPLC. Hum Mutat. 2002 Sep;20(3):231-2. Markoff A et al. Combined homology modelling and evolutionary significance evaluation of missense mutations in blood clotting factor VIII to highlight aspects of structure and function. Haemophilia. 2009 Jul;15(4):932-41.

NM_000132.4(F8):c.1430G>T (p.Gly477Val)

Gene: F8 (coagulation factor VIII; minus strand). Cytogenetic location: Xq28.
Variant type: single nucleotide variant.
Coding change: c.1430G>T on transcript NM_000132.4 (MANE Select); coding-DNA position 1430, G replaced by T.
Protein change: p.Gly477Val; replaces glycine 477 with valine.
Molecular consequence: missense variant.
Genome position (GRCh38, 1-based): chrX:154,965,983, C>A on the plus strand (G>T on the coding strand, the complement: F8 is on the minus strand). VCF-style: chrX-154965983-C-A. GRCh37 (hg19) VCF-style: chrX-154194258-C-A.
Other names: short protein forms G477V.
Identifiers: ClinVar variation 1331040 (VCV001331040.7), dbSNP rs2124105158, ClinGen allele CA414914327.
Genomic context (GRCh38, chrX:154,965,983, plus strand): 5'-CCAGACTTTTTCTTCTTACCTGACCTTAAATCTTTTCTTCAACTTACCAACAGTGTGTCT[C>A]CAACTTCCCCATAAAGTAAAGGTCCCAAGATTCCTGATTCATGCTGAATAGCTTCACGAG-3'
Protein context (NP_000123.1, residues 467-487): ILGPLLYGEV[Gly477Val]DTLLIIFKNQ